The following is an entry in ClinVar:

ClinVar aggregate classification (germline): Uncertain significance. Review status: criteria provided, multiple submitters, no conflicts (2 of 4 stars). 2 submissions from 2 submitters: Uncertain significance (2). Last evaluated 2023-08-23.

Conditions:
Long QT syndrome (LQTS). Identifiers: MedGen C0023976, MeSH D008133, MONDO:0002442. Disease mechanism: loss of function. Inheritance: Various modes of inheritance.
Cardiovascular phenotype. Identifiers: MedGen CN230736.

Allele frequency attached by ClinVar (database versions not stated): gnomAD exomes below 0.00001.
gnomAD v4.1: 7 of 1,614,198 alleles (0.00043%); highest among the groups gnomAD compares: Non-Finnish European, 0.00059%; no homozygotes.

Submissions (2):

Ambry Genetics
Classification: Uncertain significance for Cardiovascular phenotype. Last evaluated: 2023-08-23. Review status: criteria provided, single submitter. Criteria: Ambry Variant Classification Scheme 2023. Collection method: clinical testing. Allele origin: germline.
Comment: The p.S3795C variant (also known as c.11383A>T), located in coding exon 43 of the ANK2 gene, results from an A to T substitution at nucleotide position 11383. The serine at codon 3795 is replaced by cysteine, an amino acid with dissimilar properties. This amino acid position is not well conserved in available vertebrate species, and cysteine is the reference amino acid in other vertebrate species. In addition, the in silico prediction for this alteration is inconclusive. Since supporting evidence is limited at this time, the clinical significance of this alteration remains unclear.

Labcorp Genetics (formerly Invitae), Labcorp
Classification: Uncertain significance for Long QT syndrome. Last evaluated: 2023-08-01. Review status: criteria provided, single submitter. Criteria: Invitae Variant Classification Sherloc (09022015). Collection method: clinical testing. Allele origin: germline.
Comment: This sequence change replaces serine, which is neutral and polar, with cysteine, which is neutral and slightly polar, at codon 3795 of the ANK2 protein (p.Ser3795Cys). This variant has not been reported in the literature in individuals affected with ANK2-related conditions. This variant is not present in population databases (gnomAD no frequency). In summary, the available evidence is currently insufficient to determine the role of this variant in disease. Therefore, it has been classified as a Variant of Uncertain Significance. Algorithms developed to predict the effect of missense changes on protein structure and function output the following: SIFT: "Not Available"; PolyPhen-2: "Benign"; Align-GVGD: "Not Available". The cysteine amino acid residue is found in multiple mammalian species, which suggests that this missense change does not adversely affect protein function. ClinVar contains an entry for this variant (Variation ID: 1730222).

NM_001148.6(ANK2):c.11383A>T (p.Ser3795Cys)

Gene: ANK2 (ankyrin 2; plus strand). Cytogenetic location: 4q26.
Variant type: single nucleotide variant.
Coding change: c.11383A>T on transcript NM_001148.6 (MANE Select); coding-DNA position 11383, A replaced by T.
Protein change: p.Ser3795Cys; replaces serine 3795 with cysteine.
Molecular consequence: missense variant.
Genome position (GRCh38, 1-based): chr4:113,369,578, A>T. VCF-style: chr4-113369578-A-T. GRCh37 (hg19) VCF-style: chr4-114290734-A-T.
Other names: c.4909A>T, p.Ser1637Cys (NM_001386150.1, NM_001386153.1, NM_001386146.1 and 1 more transcripts); c.4843A>T, p.Ser1615Cys (NM_001386151.1, NM_001354260.2, NM_001354271.2); c.5185A>T, p.Ser1729Cys (NM_001386152.1); c.4894A>T, p.Ser1632Cys (NM_001386154.1, NM_001354274.2); c.4867A>T, p.Ser1623Cys (NM_001386156.1, NM_001354257.2); c.4744A>T, p.Ser1582Cys (NM_001386157.1, NM_001354277.2); c.4645A>T, p.Ser1549Cys (NM_001386158.1); c.4972A>T, p.Ser1658Cys (NM_001386160.1); and 35 more; short protein forms S1582C, S1655C, S1677C, S1700C, S1709C, S1710C, S2595C, S3842C.
Identifiers: ClinVar variation 1730222 (VCV001730222.6), dbSNP rs2154066061, ClinGen allele CA357942599.